The following is an entry in ClinVar:

ClinVar aggregate classification (germline): Pathogenic (1 of 4 stars; one submission).

Submission:

Labcorp Genetics (formerly Invitae), Labcorp
Classification: Pathogenic. Last evaluated: 2025-02-11. Review status: criteria provided, single submitter. Criteria: Invitae Variant Classification Sherloc (09022015). Collection method: clinical testing. Allele origin: germline.
Comment: This sequence change creates a premature translational stop signal (p.Ser1510Tyrfs*4) in the DNAH9 gene. It is expected to result in an absent or disrupted protein product. Loss-of-function variants in DNAH9 are known to be pathogenic (PMID: 30471718). This variant is present in population databases (no rsID available, gnomAD 0.01%). This variant has not been reported in the literature in individuals affected with DNAH9-related conditions. For these reasons, this variant has been classified as Pathogenic.

Literature cited by the submitters: PubMed 30471718.

NM_001372.4(DNAH9):c.4529_4530del (p.Ser1510fs)

Gene: DNAH9 (dynein axonemal heavy chain 9; plus strand). Cytogenetic location: 17p12.
Variant type: Microsatellite.
Coding change: c.4529_4530del on transcript NM_001372.4 (MANE Select); coding-DNA positions 4529 to 4530, 2 bases deleted (CT; older notation c.4529_4530delCT).
Protein change: p.Ser1510fs; shifts the reading frame from serine 1510.
Molecular consequence: frameshift variant.
Genome position (GRCh38, 1-based): chr17:11,690,351-11,690,352, CT deleted; deleting any 2 consecutive bases within chr17:11,690,348-11,690,352 gives the same sequence; the c. name uses the placement nearest the transcript's 3' end. VCF-style (leftmost placement, unchanged base first): chr17-11690347-ATC-A. GRCh37 (hg19) VCF-style: chr17-11593664-ATC-A.
Other names: short protein forms S1510fs.
Identifiers: ClinVar variation 4780930 (VCV004780930.1).